The following is an entry in ClinVar:

ClinVar aggregate classification (germline): Likely benign. Review status: criteria provided, multiple submitters, no conflicts (2 of 4 stars). 2 submissions from 2 submitters: Likely benign (2). Last evaluated 2025-02-12.

Conditions:
Glycogen storage disease, type V (GSD5). Also called: MCARDLE DISEASE; MUSCLE GLYCOGEN PHOSPHORYLASE DEFICIENCY; MYOPHOSPHORYLASE DEFICIENCY; PYGM DEFICIENCY; McArdle type glycogen storage disease. Identifiers: Orphanet 368, MedGen C0017924, MONDO:0009293, OMIM 232600.

Allele frequency attached by ClinVar (database versions not stated): TOPMed 0.00003.
gnomAD v4.1: 20 of 1,613,674 alleles (0.0012%); highest among the groups gnomAD compares: Admixed American, 0.0067%; no homozygotes.

Submissions (2):

Labcorp Genetics (formerly Invitae), Labcorp
Classification: Likely benign for Glycogen storage disease, type V. Last evaluated: 2025-02-12. Review status: criteria provided, single submitter. Criteria: Invitae Variant Classification Sherloc (09022015). Collection method: clinical testing. Allele origin: germline.

GeneDx
Classification: Likely benign. Last evaluated: 2016-02-05. Review status: criteria provided, single submitter. Criteria: GeneDx Variant Classification (06012015). Collection method: clinical testing. Allele origin: germline. Affected: yes.
Comment: This variant is considered likely benign or benign based on one or more of the following criteria: it is a conservative change, it occurs at a poorly conserved position in the protein, it is predicted to be benign by multiple in silico algorithms, and/or has population frequency not consistent with disease.

NM_005609.4(PYGM):c.966C>T (p.Pro322=)

Gene: PYGM (glycogen phosphorylase, muscle associated; minus strand). Cytogenetic location: 11q13.1.
Variant type: single nucleotide variant.
Coding change: c.966C>T on transcript NM_005609.4 (MANE Select); coding-DNA position 966, C replaced by T.
Protein change: p.Pro322=; no amino-acid change (proline 322 retained).
Molecular consequence: synonymous variant.
Genome position (GRCh38, 1-based): chr11:64,754,726, G>A on the plus strand (C>T on the coding strand, the complement: PYGM is on the minus strand). VCF-style: chr11-64754726-G-A. GRCh37 (hg19) VCF-style: chr11-64522198-G-A.
Other names: c.702C>T, p.Pro234= (NM_001164716.1).
Identifiers: ClinVar variation 382388 (VCV000382388.9), dbSNP rs377041639, ClinGen allele CA6080064.
Genomic context (GRCh38, chr11:64,754,726, plus strand): 5'-CAGAGTCGCCCTCCACACGCATGGTACCTTATCTGGGAAGGCATCGAAGTTCGTGCGCAC[G>A]GGATCACGGCAGCCGAACTTGGAAGACTTGAAGCGACGGATGATGTCCTGGAGGGTGGCA-3'
Protein context (NP_005600.1, residues 312-332): FKSSKFGCRD[Pro322=]VRTNFDAFPD